The following is an entry in ClinVar:

ClinVar aggregate classification (germline): Uncertain significance (1 of 4 stars; one submission).

Conditions:
Inborn genetic diseases. Identifiers: MedGen C0950123, MeSH D030342.

Allele frequency attached by ClinVar (database versions not stated): gnomAD exomes 0.00001.
gnomAD v4.1: 3 of 1,612,822 alleles (0.00019%); highest among the groups gnomAD compares: East Asian, 0.0022%; no homozygotes.

Submission:

Ambry Genetics
Classification: Uncertain significance for Inborn genetic diseases. Last evaluated: 2022-02-09. Review status: criteria provided, single submitter. Criteria: Ambry Variant Classification Scheme 2023. Collection method: clinical testing. Allele origin: germline.
Comment: The p.G569R variant (also known as c.1705G>A), located in coding exon 21 of the LRSAM1 gene, results from a G to A substitution at nucleotide position 1705. The glycine at codon 569 is replaced by arginine, an amino acid with dissimilar properties. This amino acid position is conserved. In addition, the in silico prediction for this alteration is inconclusive. Since supporting evidence is limited at this time, the clinical significance of this alteration remains unclear.

NM_001005373.4(LRSAM1):c.1705G>A (p.Gly569Arg)

Gene: LRSAM1 (leucine rich repeat and sterile alpha motif containing 1; plus strand). Cytogenetic location: 9q33.3.
Variant type: single nucleotide variant.
Coding change: c.1705G>A on transcript NM_001005373.4 (MANE Select); coding-DNA position 1705, G replaced by A.
Protein change: p.Gly569Arg; replaces glycine 569 with arginine.
Molecular consequence: missense variant. On other transcripts: non-coding transcript variant (2).
Genome position (GRCh38, 1-based): chr9:127,495,970, G>A. VCF-style: chr9-127495970-G-A. GRCh37 (hg19) VCF-style: chr9-130258249-G-A.
Other names: c.1705G>A, p.Gly569Arg (NM_001005374.4, NM_001384142.1, NM_138361.5); c.1624G>A, p.Gly542Arg (NM_001190723.3); c.1606G>A, p.Gly536Arg (NM_001384143.1); c.916G>A, p.Gly306Arg (NM_001384144.1); short protein forms G306R, G536R, G569R, G542R.
Identifiers: ClinVar variation 1778433 (VCV001778433.2), dbSNP rs368491511, ClinGen allele CA199852344.
Genomic context (GRCh38, chr9:127,495,970, plus strand): 5'-AACAGTGGGTTCTTTTCTTCCTTCCTGCTCATGGTACACGTTTCTGTCTTGCAGGAAGAG[G>A]GGATGGAGCGCCAGCTGGTGGCCCTCCTGGAGGAGCTGTCGGCTGAGCACTACCTGCCCA-3'
Protein context (NP_001005373.1, residues 559-579): KPLSLKLQEE[Gly569Arg]MERQLVALLE